The following is an entry in ClinVar:

NM_173354.5(SIK1):c.1783C>T (p.Arg595Trp)

Gene: SIK1 (salt inducible kinase 1; minus strand). Cytogenetic location: 21q22.3.
Variant type: single nucleotide variant.
Coding change: c.1783C>T on transcript NM_173354.5 (MANE Select); coding-DNA position 1783, C replaced by T.
Protein change: p.Arg595Trp; replaces arginine 595 with tryptophan.
Molecular consequence: missense variant.
Genome position (GRCh38, 1-based): chr21:43,417,736, G>A on the plus strand (C>T on the coding strand, the complement: SIK1 is on the minus strand). VCF-style: chr21-43417736-G-A. GRCh37 (hg19) VCF-style: chr21-44837616-G-A.
Other names: c.1783C>T (NM_173354.3); short protein forms R595W.
Identifiers: ClinVar variation 1036622 (VCV001036622.46), dbSNP rs372646769, ClinGen allele CA321324975.

ClinVar aggregate classification (germline): Conflicting classifications of pathogenicity. Review status: criteria provided, conflicting classifications (1 of 4 stars). 3 submissions from 3 submitters: Uncertain significance (2); Likely benign (1). Last evaluated 2025-10-16.

Conditions:
Inborn genetic diseases. Identifiers: MedGen C0950123, MeSH D030342.
Developmental and epileptic encephalopathy, 30 (DEE30). Also called: Epileptic encephalopathy, early infantile, 30. Identifiers: MedGen C4225360, MONDO:0014595, OMIM 616341.

Allele frequency attached by ClinVar (database versions not stated): gnomAD exomes 0.00001; ESP Exome Variant Server 0.00008; ExAC 0.00014.

Submissions (3):

Labcorp Genetics (formerly Invitae), Labcorp
Classification: Uncertain significance for Developmental and epileptic encephalopathy, 30. Last evaluated: 2025-10-16. Review status: criteria provided, single submitter. Criteria: Invitae Variant Classification Sherloc (09022015). Collection method: clinical testing. Allele origin: germline.
Comment: This sequence change replaces arginine, which is basic and polar, with tryptophan, which is neutral and slightly polar, at codon 595 of the SIK1 protein (p.Arg595Trp). The frequency data for this variant in the population databases is considered unreliable, as metrics indicate poor data quality at this position in the gnomAD database. This variant has not been reported in the literature in individuals affected with SIK1-related conditions. ClinVar contains an entry for this variant (Variation ID: 1036622). Invitae Evidence Modeling of protein sequence and biophysical properties (such as structural, functional, and spatial information, amino acid conservation, physicochemical variation, residue mobility, and thermodynamic stability) indicates that this missense variant is not expected to disrupt SIK1 protein function with a negative predictive value of 95%. In summary, the available evidence is currently insufficient to determine the role of this variant in disease. Therefore, it has been classified as a Variant of Uncertain Significance.

Ambry Genetics
Classification: Likely benign for Inborn genetic diseases. Last evaluated: 2025-08-21. Review status: criteria provided, single submitter. Criteria: Ambry Variant Classification Scheme 2023. Collection method: clinical testing. Allele origin: germline.

CeGaT Center for Human Genetics Tuebingen
Classification: Uncertain significance. Last evaluated: 2021-03-01. Review status: criteria provided, single submitter. Criteria: CeGaT Center For Human Genetics Tuebingen Variant Classification Criteria Version 2. Collection method: clinical testing. Allele origin: germline. Affected: yes. Observed: 1 variant allele.